The following is an entry in ClinVar:

ClinVar aggregate classification (germline): Uncertain significance. Review status: criteria provided, multiple submitters, no conflicts (2 of 4 stars). 2 submissions from 2 submitters: Uncertain significance (2). Last evaluated 2025-05-29.

Conditions:
Hereditary cancer-predisposing syndrome. Also called: Hereditary Cancer Syndrome; Neoplastic Syndromes, Hereditary; Tumor predisposition; Hereditary neoplastic syndrome. Identifiers: Orphanet 140162, MedGen C0027672, MeSH D009386, MONDO:0015356.
Ataxia-telangiectasia syndrome (AT). Also called: Ataxia-telangiectasia, complementation group D; AT, COMPLEMENTATION GROUP C; ATAXIA-TELANGIECTASIA, COMPLEMENTATION GROUP A; ATAXIA-TELANGIECTASIA, FRESNO VARIANT; Ataxia-telangiectasia; LOUIS-BAR SYNDROME. Identifiers: Orphanet 100, MedGen C0004135, MONDO:0008840, OMIM 208900.

Submissions (2):

Ambry Genetics
Classification: Uncertain significance for Hereditary cancer-predisposing syndrome. Last evaluated: 2025-05-29. Review status: criteria provided, single submitter. Criteria: Ambry Variant Classification Scheme 2023. Collection method: clinical testing. Allele origin: germline.
Comment: The p.I159M variant (also known as c.477A>G), located in coding exon 4 of the ATM gene, results from an A to G substitution at nucleotide position 477. The isoleucine at codon 159 is replaced by methionine, an amino acid with highly similar properties. This amino acid position is well conserved in available vertebrate species. In addition, the in silico prediction for this alteration is inconclusive. Based on the available evidence, the clinical significance of this variant remains unclear.

Labcorp Genetics (formerly Invitae), Labcorp
Classification: Uncertain significance for Ataxia-telangiectasia syndrome. Last evaluated: 2024-11-24. Review status: criteria provided, single submitter. Criteria: Invitae Variant Classification Sherloc (09022015). Collection method: clinical testing. Allele origin: germline.
Comment: This sequence change replaces isoleucine, which is neutral and non-polar, with methionine, which is neutral and non-polar, at codon 159 of the ATM protein (p.Ile159Met). This variant is not present in population databases (gnomAD no frequency). This variant has not been reported in the literature in individuals affected with ATM-related conditions. ClinVar contains an entry for this variant (Variation ID: 186033). Invitae Evidence Modeling of protein sequence and biophysical properties (such as structural, functional, and spatial information, amino acid conservation, physicochemical variation, residue mobility, and thermodynamic stability) indicates that this missense variant is not expected to disrupt ATM protein function with a negative predictive value of 95%. In summary, the available evidence is currently insufficient to determine the role of this variant in disease. Therefore, it has been classified as a Variant of Uncertain Significance.

NM_000051.4(ATM):c.477A>G (p.Ile159Met)

Gene: ATM (ATM serine/threonine kinase; plus strand). Cytogenetic location: 11q22.3.
Variant type: single nucleotide variant.
Coding change: c.477A>G on transcript NM_000051.4 (MANE Select); coding-DNA position 477, A replaced by G.
Protein change: p.Ile159Met; replaces isoleucine 159 with methionine.
Molecular consequence: missense variant.
Genome position (GRCh38, 1-based): chr11:108,235,815, A>G. VCF-style: chr11-108235815-A-G. GRCh37 (hg19) VCF-style: chr11-108106542-A-G.
Other names: c.477A>G, p.Ile159Met (NM_001351834.2); short protein forms I159M.
Identifiers: ClinVar variation 186033 (VCV000186033.14), dbSNP rs786202644, ClinGen allele CA193673.